The following is an entry in ClinVar:

NM_016589.4(TIMMDC1):c.743A>C (p.Glu248Ala)

Gene: TIMMDC1 (translocase of inner mitochondrial membrane domain containing 1; plus strand). Cytogenetic location: 3q13.33.
Variant type: single nucleotide variant.
Coding change: c.743A>C on transcript NM_016589.4 (MANE Select); coding-DNA position 743, A replaced by C.
Protein change: p.Glu248Ala; replaces glutamic acid 248 with alanine.
Molecular consequence: missense variant.
Genome position (GRCh38, 1-based): chr3:119,523,641, A>C. VCF-style: chr3-119523641-A-C. GRCh37 (hg19) VCF-style: chr3-119242488-A-C.
Other names: short protein forms E248A.
Identifiers: ClinVar variation 1895774 (VCV001895774.5), dbSNP rs2473091171, ClinGen allele CA354033577.
Genomic context (GRCh38, chr3:119,523,641, plus strand): 5'-ATTTATCCTTTTTATCTGATTACAGGAAAGGCAGACTACAAGTTACTGAGCACCTCCCTG[A>C]GAAAATTGAAAGTAGTTTACAGGAAGATGAACCTGAGAATGATGCTAAGAAAATTGAAGC-3'
Protein context (NP_057673.2, residues 238-258): GRLQVTEHLP[Glu248Ala]KIESSLQEDE

ClinVar aggregate classification (germline): Uncertain significance (1 of 4 stars; one submission).

Allele frequency attached by ClinVar (database versions not stated): gnomAD exomes 0.00001.
gnomAD v4.1: 7 of 1,612,786 alleles (0.00043%); highest among the groups gnomAD compares: Non-Finnish European, 0.00059%; no homozygotes.

Submission:

Labcorp Genetics (formerly Invitae), Labcorp
Classification: Uncertain significance. Last evaluated: 2022-07-03. Review status: criteria provided, single submitter. Criteria: Invitae Variant Classification Sherloc (09022015). Collection method: clinical testing. Allele origin: germline.
Comment: In summary, the available evidence is currently insufficient to determine the role of this variant in disease. Therefore, it has been classified as a Variant of Uncertain Significance. Algorithms developed to predict the effect of missense changes on protein structure and function (SIFT, PolyPhen-2, Align-GVGD) all suggest that this variant is likely to be tolerated. This variant has not been reported in the literature in individuals affected with TIMMDC1-related conditions. This variant is not present in population databases (gnomAD no frequency). This sequence change replaces glutamic acid, which is acidic and polar, with alanine, which is neutral and non-polar, at codon 248 of the TIMMDC1 protein (p.Glu248Ala).